The following is an entry in ClinVar:

NM_001355436.2(SPTB):c.3356G>A (p.Arg1119His)

Gene: SPTB (spectrin beta, erythrocytic; minus strand). Cytogenetic location: 14q23.3.
Variant type: single nucleotide variant.
Coding change: c.3356G>A on transcript NM_001355436.2 (MANE Select); coding-DNA position 3356, G replaced by A.
Protein change: p.Arg1119His; replaces arginine 1119 with histidine.
Molecular consequence: missense variant.
Genome position (GRCh38, 1-based): chr14:64,786,609, C>T on the plus strand (G>A on the coding strand, the complement: SPTB is on the minus strand). VCF-style: chr14-64786609-C-T. GRCh37 (hg19) VCF-style: chr14-65253327-C-T.
Other names: p.Arg1119His; c.3356G>A, p.Arg1119His (NM_001024858.4, NM_001355437.2); short protein forms R1119H.
Identifiers: ClinVar variation 3380204 (VCV003380204.1).
Genomic context (GRCh38, chr14:64,786,609, plus strand): 5'-AGAAGCAGATACTCTGGGTCCGTCTGGCCTTGGATCACTTTCTCCCCAGACTCCTTAACA[C>T]GCTGGTAGCTGTCTTGGTGCCCGTCAATCTCATCCTTGATACCTGCATGCTGCTGCAGGA-3'
Protein context (NP_001342365.1, residues 1109-1129): EIDGHQDSYQ[Arg1119His]VKESGEKVIQ

ClinVar aggregate classification (germline): Uncertain significance (1 of 4 stars; one submission).

gnomAD v4.1: 16 of 1,614,202 alleles (0.00099%); highest among the groups gnomAD compares: African/African-American, 0.0013%; no homozygotes.

Submission:

Mayo Clinic Laboratories, Mayo Clinic
Classification: Uncertain significance. Last evaluated: 2024-08-16. Review status: criteria provided, single submitter. Criteria: ACMG Guidelines, 2015. Collection method: clinical testing. Allele origin: germline. Observed: 1 variant allele.
Comment: BP4, PM2